The following is an entry in ClinVar:

ClinVar aggregate classification (germline): Uncertain significance (1 of 4 stars; one submission).

Conditions:
Deficiency of ferroxidase (ACEP). Also called: Aceruloplasminemia; Ceruloplasmin deficiency; Familial apoceruloplasmin deficiency; Hereditary ceruloplasmin deficiency; NEURODEGENERATION WITH BRAIN IRON ACCUMULATION 10; Deficiency of ceruloplasmin. Identifiers: Orphanet 48818, MedGen C0878682, MONDO:0011426, OMIM 604290, HP:0025498.

Allele frequency attached by ClinVar (database versions not stated): gnomAD exomes below 0.00001; TOPMed below 0.00001; gnomAD 0.00001; ExAC 0.00002.
gnomAD v4.1: 2 of 1,613,610 alleles (0.00012%); highest among the groups gnomAD compares: Non-Finnish European, 0.00017%; no homozygotes.

Submission:

Labcorp Genetics (formerly Invitae), Labcorp
Classification: Uncertain significance for Deficiency of ferroxidase. Last evaluated: 2022-07-29. Review status: criteria provided, single submitter. Criteria: Invitae Variant Classification Sherloc (09022015). Collection method: clinical testing. Allele origin: germline.
Comment: This sequence change replaces tyrosine, which is neutral and polar, with phenylalanine, which is neutral and non-polar, at codon 879 of the CP protein (p.Tyr879Phe). This variant is present in population databases (rs774060244, gnomAD 0.002%). This variant has not been reported in the literature in individuals affected with CP-related conditions. Advanced modeling of protein sequence and biophysical properties (such as structural, functional, and spatial information, amino acid conservation, physicochemical variation, residue mobility, and thermodynamic stability) performed at Invitae indicates that this missense variant is expected to disrupt CP protein function. In summary, the available evidence is currently insufficient to determine the role of this variant in disease. Therefore, it has been classified as a Variant of Uncertain Significance.

NM_000096.4(CP):c.2636A>T (p.Tyr879Phe)

Gene: CP (ceruloplasmin; minus strand). Cytogenetic location: 3q24.
Variant type: single nucleotide variant.
Coding change: c.2636A>T on transcript NM_000096.4 (MANE Select); coding-DNA position 2636, A replaced by T.
Protein change: p.Tyr879Phe; replaces tyrosine 879 with phenylalanine.
Molecular consequence: missense variant. On other transcripts: non-coding transcript variant (1).
Genome position (GRCh38, 1-based): chr3:149,179,581, T>A on the plus strand (A>T on the coding strand, the complement: CP is on the minus strand). VCF-style: chr3-149179581-T-A. GRCh37 (hg19) VCF-style: chr3-148897368-T-A.
Other names: short protein forms Y879F.
Identifiers: ClinVar variation 1919025 (VCV001919025.5), dbSNP rs774060244, ClinGen allele CA2660672.